The following is an entry in ClinVar:

ClinVar aggregate classification (germline): Conflicting classifications of pathogenicity. Review status: criteria provided, conflicting classifications (1 of 4 stars). 4 submissions from 4 submitters: Pathogenic (1); Likely pathogenic (2); Uncertain significance (1). Last evaluated 2025-11-30.

Conditions:
Lethal congenital contractural syndrome Finnish type.
Lethal congenital contracture syndrome 1 (LCCS1). Also called: MULTIPLE CONTRACTURE SYNDROME, FINNISH TYPE. Identifiers: Orphanet 1486, MedGen C1854664, MONDO:0009670, OMIM 253310.
Lethal arthrogryposis-anterior horn cell disease syndrome (CAAHD). Also called: CONGENITAL ARTHROGRYPOSIS WITH ANTERIOR HORN CELL DISEASE. Identifiers: Orphanet 53696, MedGen C5193016, MONDO:0012750, OMIM 611890.

Allele frequency attached by ClinVar (database versions not stated): ExAC 0.00001; gnomAD exomes 0.00001; gnomAD 0.00002; TOPMed 0.00002.

Submissions (4):

Labcorp Genetics (formerly Invitae), Labcorp
Classification: Pathogenic. Last evaluated: 2025-11-30. Review status: criteria provided, single submitter. Criteria: Invitae Variant Classification Sherloc (09022015). Collection method: clinical testing. Allele origin: germline.
Comment: This sequence change affects a donor splice site in intron 15 of the GLE1 gene. While this variant is not anticipated to result in nonsense mediated decay, it likely alters RNA splicing and results in a disrupted protein product. This variant is present in population databases (rs775658412, gnomAD 0.002%). This variant has not been reported in the literature in individuals affected with GLE1-related conditions. ClinVar contains an entry for this variant (Variation ID: 3014970). Variants that disrupt the consensus splice site are a relatively common cause of aberrant splicing (PMID: 17576681, 9536098). Algorithms developed to predict the effect of sequence changes on RNA splicing suggest that this variant may disrupt the consensus splice site. This variant disrupts a region of the GLE1 protein in which other variant(s) (p.Ile684Thr) have been determined to be pathogenic (PMID: 18204449, 28657126). This suggests that this is a clinically significant region of the protein, and that variants that disrupt it are likely to be disease-causing. For these reasons, this variant has been classified as Pathogenic.

Natera, Inc.
Classification: Likely pathogenic for Lethal congenital contractural syndrome Finnish type. Last evaluated: 2025-06-20. Review status: criteria provided, single submitter. Criteria: Natera Variant Classification Schema (03/2026). Collection method: clinical testing. Allele origin: germline.
Comment: The c.2028+1G>A variant in GLE1 is a canonical splice donor site variant predicted to affect pre-mRNA splicing, which may result in an abnormal transcript and altered protein product. This variant is expected to result in nonsense mediated decay, truncation, or a dysfunctional protein product. This variant is rare in the general population with a frequency below the threshold expected for the associated phenotype(s). Given the available evidence, this variant is classified as Likely Pathogenic.

Blueprint Genetics
Classification: Uncertain significance. Last evaluated: 2024-11-11. Review status: criteria provided, single submitter. Criteria: ACMG Guidelines, 2015. Collection method: clinical testing. Allele origin: germline.

Fulgent Genetics
Classification: Likely pathogenic for Lethal congenital contracture syndrome 1; Lethal arthrogryposis-anterior horn cell disease syndrome. Last evaluated: 2024-02-05. Review status: criteria provided, single submitter. Criteria: ACMG Guidelines, 2015. Collection method: clinical testing. Allele origin: germline.

Literature cited by the submitters: PubMed 17576681 (cited by Labcorp Genetics (formerly Invitae), Labcorp); PubMed 9536098 (cited by Labcorp Genetics (formerly Invitae), Labcorp); PubMed 18204449 (cited by Labcorp Genetics (formerly Invitae), Labcorp); PubMed 28657126 (cited by Labcorp Genetics (formerly Invitae), Labcorp).

NM_001003722.2(GLE1):c.2028+1G>A

Genes: GLE1 (GLE1 RNA export mediator; plus strand), LOC101929270 (uncharacterized LOC101929270; minus strand). Cytogenetic location: 9q34.11.
Variant type: single nucleotide variant.
Coding change: c.2028+1G>A on transcript NM_001003722.2 (MANE Select); the canonical splice donor site of the intron after coding-DNA position 2028, G replaced by A.
Molecular consequence: splice donor variant.
Genome position (GRCh38, 1-based): chr9:128,540,339, G>A. VCF-style: chr9-128540339-G-A. GRCh37 (hg19) VCF-style: chr9-131302618-G-A.
Other names: c.2055+1G>A (NM_001411013.1); c.2028+1G>A (NM_001003722.1).
Identifiers: ClinVar variation 3014970 (VCV003014970.6), dbSNP rs775658412, ClinGen allele CA5264036.